The following is an entry in ClinVar:

NM_001195129.2(PRSS56):c.904G>T (p.Val302Phe)

Gene: PRSS56 (serine protease 56; plus strand). Cytogenetic location: 2q37.1.
Variant type: single nucleotide variant.
Coding change: c.904G>T on transcript NM_001195129.2 (MANE Select); coding-DNA position 904, G replaced by T.
Protein change: p.Val302Phe; replaces valine 302 with phenylalanine.
Molecular consequence: missense variant.
Genome position (GRCh38, 1-based): chr2:232,523,470, G>T. VCF-style: chr2-232523470-G-T. GRCh37 (hg19) VCF-style: chr2-233388180-G-T.
Other names: PRSS56, VAL302PHE (rs74703359); c.904G>T, p.Val302Phe (NM_001369848.1); short protein forms V302F.
Identifiers: ClinVar variation 183171 (VCV000183171.42), dbSNP rs74703359, ClinGen allele CA186006.
Genomic context (GRCh38, chr2:232,523,470, plus strand): 5'-CCGCAGGGTGACTCGGGAGGCCCCCTGACCTGTTCTGAGCCTGGCCCCCGCCCTAGAGAG[G>T]TCCTGTTCGGAGTCACCTCCTGGGGGGACGGCTGCGGGGAGCCAGGGAAGCCCGGGGTCT-3'
Protein context (NP_001182058.1, residues 292-312): CSEPGPRPRE[Val302Phe]LFGVTSWGDG

ClinVar aggregate classification (germline): Uncertain significance. Review status: criteria provided, multiple submitters, no conflicts (2 of 4 stars). 7 submissions from 7 submitters: Uncertain significance (4). 3 of the submissions do not count toward it. Last evaluated 2025-08-12.

Conditions:
Isolated microphthalmia 6. Also called: MICROPHTHALMIA, POSTERIOR NONSYNDROMIC. Identifiers: Orphanet 2542, MedGen C3150757, MONDO:0013293, OMIM 613517.

Allele frequency attached by ClinVar (database versions not stated): gnomAD exomes 0.00103 and 0.00183; gnomAD 0.00131; TOPMed 0.00138; ExAC 0.00178; 1000 Genomes Project 0.00200; 1000 Genomes Project 30x 0.00203.
gnomAD v4.1: 2,669 of 1,522,556 alleles (0.18%); highest among the groups gnomAD compares: Non-Finnish European, 0.21%; 2 homozygotes.

Submissions (7):

Labcorp Genetics (formerly Invitae), Labcorp
Classification: Uncertain significance for Isolated microphthalmia 6. Last evaluated: 2025-08-12. Review status: criteria provided, single submitter. Criteria: Invitae Variant Classification Sherloc (09022015). Collection method: clinical testing. Allele origin: germline.
Comment: This sequence change replaces valine, which is neutral and non-polar, with phenylalanine, which is neutral and non-polar, at codon 302 of the PRSS56 protein (p.Val302Phe). This variant is present in population databases (rs74703359, gnomAD 0.2%), and has an allele count higher than expected for a pathogenic variant. This missense change has been observed in individual(s) with non-syndromic nanophthalmos (PMID: 21850159). It has also been observed to segregate with disease in related individuals. ClinVar contains an entry for this variant (Variation ID: 183171). Experimental studies and prediction algorithms are not available or were not evaluated, and the functional significance of this variant is currently unknown. In summary, the available evidence is currently insufficient to determine the role of this variant in disease. Therefore, it has been classified as a Variant of Uncertain Significance.

Blueprint Genetics
Classification: Uncertain significance. Last evaluated: 2024-11-14. Review status: criteria provided, single submitter. Criteria: ACMG Guidelines, 2015. Collection method: clinical testing. Allele origin: germline.

CeGaT Center for Human Genetics Tuebingen
Classification: Uncertain significance. Last evaluated: 2022-01-01. Review status: criteria provided, single submitter. Criteria: CeGaT Center For Human Genetics Tuebingen Variant Classification Criteria Version 2. Collection method: clinical testing. Allele origin: germline. Affected: yes. Observed: 1 variant allele.

Breakthrough Genomics
Classification: Uncertain significance. Review status: criteria provided, single submitter. Criteria: ACMG Guidelines, 2015. Collection method: not provided. Allele origin: germline. Inheritance: Autosomal recessive inheritance. Affected: yes.

OMIM
Classification: Pathogenic for MICROPHTHALMIA, ISOLATED 6. Last evaluated: 2011-01-01. Review status: no assertion criteria provided. Collection method: literature only. Allele origin: germline. Not counted in ClinVar's aggregate classification.

Clinical Genetics DNA and cytogenetics Diagnostics Lab, Erasmus MC, Erasmus Medical Center
Classification: Uncertain significance. Review status: no assertion criteria provided. Collection method: clinical testing. Allele origin: germline. Affected: yes. Study: VKGL Data-share Consensus. Not counted in ClinVar's aggregate classification.

Joint Genome Diagnostic Labs from Nijmegen and Maastricht, Radboudumc and MUMC+
Classification: Uncertain significance. Review status: no assertion criteria provided. Collection method: clinical testing. Allele origin: germline. Affected: yes. Study: VKGL Data-share Consensus. Not counted in ClinVar's aggregate classification.

Literature cited by the submitters: PubMed 21850159 (cited by Labcorp Genetics (formerly Invitae), Labcorp and OMIM).